The following is an entry in ClinVar:

NM_003235.5(TG):c.7920C>T (p.Tyr2640=)

Gene: TG (thyroglobulin; plus strand). Cytogenetic location: 8q24.22.
Variant type: single nucleotide variant.
Coding change: c.7920C>T on transcript NM_003235.5 (MANE Select); coding-DNA position 7920, C replaced by T.
Protein change: p.Tyr2640=; no amino-acid change (tyrosine 2640 retained).
Molecular consequence: synonymous variant.
Genome position (GRCh38, 1-based): chr8:133,131,869, C>T. VCF-style: chr8-133131869-C-T. GRCh37 (hg19) VCF-style: chr8-134144113-C-T.
Identifiers: ClinVar variation 259003 (VCV000259003.17), dbSNP rs2294024, ClinGen allele CA4885834.

ClinVar aggregate classification (germline): Benign/Likely benign. Review status: criteria provided, multiple submitters, no conflicts (2 of 4 stars). 8 submissions from 8 submitters: Benign (7); Likely benign (1). Last evaluated 2026-05-09.

Conditions:
Iodotyrosyl coupling defect (TDH3). Also called: HYPOTHYROIDISM, CONGENITAL, DUE TO DYSHORMONOGENESIS, 3; THYROID HORMONOGENESIS, GENETIC DEFECT IN, 3. Identifiers: Orphanet 95716, MedGen C0342194, MONDO:0010135, OMIM 274700.

Allele frequency attached by ClinVar (database versions not stated): TOPMed 0.49687; gnomAD 0.49806 and 0.48733; ESP Exome Variant Server 0.52084; 1000 Genomes Project 0.40535; 1000 Genomes Project 30x 0.41677.
gnomAD v4.1: 751,944 of 1,613,812 alleles (47%); highest among the groups gnomAD compares: African/African-American, 59%; 180,679 homozygotes.

Submissions (8):

Women's Health and Genetics/Laboratory Corporation of America, LabCorp
Classification: Benign. Last evaluated: 2026-05-09. Review status: criteria provided, single submitter. Criteria: LabCorp Variant Classification Summary - May 2015. Collection method: clinical testing. Allele origin: germline.

Labcorp Genetics (formerly Invitae), Labcorp
Classification: Benign. Last evaluated: 2026-02-04. Review status: criteria provided, single submitter. Criteria: Invitae Variant Classification Sherloc (09022015). Collection method: clinical testing. Allele origin: germline.

Blueprint Genetics
Classification: Likely benign. Last evaluated: 2024-11-27. Review status: criteria provided, single submitter. Criteria: ACMG Guidelines, 2015. Collection method: clinical testing. Allele origin: germline.

Genome-Nilou Lab
Classification: Benign for Iodotyrosyl coupling defect. Last evaluated: 2021-09-10. Review status: criteria provided, single submitter. Criteria: ACMG Guidelines, 2015. Collection method: clinical testing. Allele origin: germline. Affected: no.

GeneDx
Classification: Benign. Last evaluated: 2021-03-26. Review status: criteria provided, single submitter. Criteria: GeneDx Variant Classification Process June 2021. Collection method: clinical testing. Allele origin: germline. Affected: yes.

Illumina Laboratory Services, Illumina
Classification: Benign for Iodotyrosyl coupling defect. Last evaluated: 2018-01-13. Review status: criteria provided, single submitter. Criteria: ICSL Variant Classification Criteria 13 December 2019. Collection method: clinical testing. Allele origin: germline.
Comment: This variant was observed in the ICSL laboratory as part of a predisposition screen in an ostensibly healthy population. It had not been previously curated by ICSL or reported in the Human Gene Mutation Database (HGMD: prior to June 1st, 2018), and was therefore a candidate for classification through an automated scoring system. Utilizing variant allele frequency, disease prevalence and penetrance estimates, and inheritance mode, an automated score was calculated to assess if this variant is too frequent to cause the disease. Based on the score and internal cut-off values, a variant classified as benign is not then subjected to further curation. The score for this variant resulted in a classification of benign for this disease.

Breakthrough Genomics
Classification: Benign. Review status: criteria provided, single submitter. Criteria: ACMG Guidelines, 2015. Collection method: not provided. Allele origin: germline. Inheritance: Autosomal recessive inheritance. Affected: yes.

PreventionGenetics, part of Exact Sciences
Classification: Benign. Review status: criteria provided, single submitter. Criteria: ACMG Guidelines, 2015. Collection method: clinical testing. Allele origin: germline.